The following is an entry in ClinVar:

NM_001696.4(ATP6V1E1):c.131G>T (p.Arg44Leu)

Gene: ATP6V1E1 (ATPase H+ transporting V1 subunit E1; minus strand). Cytogenetic location: 22q11.21.
Variant type: single nucleotide variant.
Coding change: c.131G>T on transcript NM_001696.4 (MANE Select); coding-DNA position 131, G replaced by T.
Protein change: p.Arg44Leu; replaces arginine 44 with leucine.
Molecular consequence: missense variant.
Genome position (GRCh38, 1-based): chr22:17,613,289, C>A on the plus strand (G>T on the coding strand, the complement: ATP6V1E1 is on the minus strand). VCF-style: chr22-17613289-C-A. GRCh37 (hg19) VCF-style: chr22-18096055-C-A.
Other names: c.65G>T, p.Arg22Leu (NM_001039366.1); c.131G>T, p.Arg44Leu (NM_001039367.1); short protein forms R44L, R22L.
Identifiers: ClinVar variation 3003438 (VCV003003438.2), dbSNP rs766001041, ClinGen allele CA10090199.

ClinVar aggregate classification (germline): Uncertain significance (1 of 4 stars; one submission).

Allele frequency attached by ClinVar (database versions not stated): ExAC 0.00010.
gnomAD v4.1: 101 of 1,613,576 alleles (0.0063%); highest among the groups gnomAD compares: Non-Finnish European, 0.0075%; no homozygotes.

Submission:

Labcorp Genetics (formerly Invitae), Labcorp
Classification: Uncertain significance. Last evaluated: 2023-03-13. Review status: criteria provided, single submitter. Criteria: Invitae Variant Classification Sherloc (09022015). Collection method: clinical testing. Allele origin: germline.
Comment: This variant has not been reported in the literature in individuals affected with ATP6V1E1-related conditions. This variant is present in population databases (rs766001041, gnomAD 0.01%). This sequence change replaces arginine, which is basic and polar, with leucine, which is neutral and non-polar, at codon 44 of the ATP6V1E1 protein (p.Arg44Leu). An algorithm developed to predict the effect of missense changes on protein structure and function (PolyPhen-2) suggests that this variant¬¨‚Ä† is likely to be tolerated. In summary, the available evidence is currently insufficient to determine the role of this variant in disease. Therefore, it has been classified as a Variant of Uncertain Significance.